The following is an entry in ClinVar:

ClinVar aggregate classification (germline): Uncertain significance (1 of 4 stars; one submission).

Conditions:
Inborn genetic diseases. Identifiers: MedGen C0950123, MeSH D030342.

Submission:

Ambry Genetics
Classification: Uncertain significance for Inborn genetic diseases. Last evaluated: 2021-11-02. Review status: criteria provided, single submitter. Criteria: Ambry Variant Classification Scheme 2023. Collection method: clinical testing. Allele origin: germline.
Comment: The p.K176T variant (also known as c.527A>C), located in coding exon 6 of the SGCD gene, results from an A to C substitution at nucleotide position 527. The lysine at codon 176 is replaced by threonine, an amino acid with similar properties. This amino acid position is conserved. In addition, the in silico prediction for this alteration is inconclusive. Since supporting evidence is limited at this time, the clinical significance of this alteration remains unclear.

NM_000337.6(SGCD):c.527A>C (p.Lys176Thr)

Gene: SGCD (sarcoglycan delta; plus strand). Cytogenetic location: 5q33.3.
Variant type: single nucleotide variant.
Coding change: c.527A>C on transcript NM_000337.6 (MANE Select); coding-DNA position 527, A replaced by C.
Protein change: p.Lys176Thr; replaces lysine 176 with threonine.
Molecular consequence: missense variant.
Genome position (GRCh38, 1-based): chr5:156,647,488, A>C. VCF-style: chr5-156647488-A-C. GRCh37 (hg19) VCF-style: chr5-156074498-A-C.
Other names: c.524A>C, p.Lys175Thr (NM_001128209.2); c.527A>C, p.Lys176Thr (NM_172244.3); short protein forms K175T, K176T.
Identifiers: ClinVar variation 1746542 (VCV001746542.2), dbSNP rs1249124147, ClinGen allele CA362008202.